The following is an entry in ClinVar:

ClinVar aggregate classification (germline): Uncertain significance (1 of 4 stars; one submission).

Submission:

Labcorp Genetics (formerly Invitae), Labcorp
Classification: Uncertain significance. Last evaluated: 2023-04-07. Review status: criteria provided, single submitter. Criteria: Invitae Variant Classification Sherloc (09022015). Collection method: clinical testing. Allele origin: germline.
Comment: This variant has not been reported in the literature in individuals affected with MAP3K7-related conditions. This variant is present in population databases (rs745452796, gnomAD 0.0009%). This variant, c.30_35dup, results in the insertion of 2 amino acid(s) of the MAP3K7 protein (p.Ser13_Ser14dup), but otherwise preserves the integrity of the reading frame. In summary, the available evidence is currently insufficient to determine the role of this variant in disease. Therefore, it has been classified as a Variant of Uncertain Significance. Experimental studies and prediction algorithms are not available or were not evaluated, and the functional significance of this variant is currently unknown.

NM_145331.3(MAP3K7):c.21CTC[7] (p.Ser14_Ala15insSerSer)

Gene: MAP3K7 (mitogen-activated protein kinase kinase kinase 7; minus strand). Cytogenetic location: 6q15.
Variant type: Microsatellite.
Coding change: c.21CTC[7] on transcript NM_145331.3 (MANE Select); seven copies in a row of the 3-base unit CTC starting at c.21; the reference has five copies in a row; two copies, 6 bases duplicated.
Protein change: p.Ser14_Ala15insSerSer.
Molecular consequence: inframe insertion.
Genome position (GRCh38, 1-based): chr6:90,586,849-90,586,854, GAGGAG duplicated on the plus strand (CTCCTC on the coding strand, the reverse complement: MAP3K7 is on the minus strand); duplicating any 6 consecutive bases within chr6:90,586,849-90,586,864 gives the same sequence; the position shown is the placement nearest the transcript's 3' end. VCF-style (leftmost placement, unchanged base first): chr6-90586848-C-CGAGGAG. GRCh37 (hg19) VCF-style: chr6-91296567-C-CGAGGAG.
Other names: c.21CTC[7], p.Ser14_Ala15insSerSer (NM_003188.4, NM_145332.3, NM_145333.3).
Identifiers: ClinVar variation 2956691 (VCV002956691.3), dbSNP rs745452796, ClinGen allele CA3928781.
Genomic context (GRCh38, chr6:90,586,848, plus strand): 5'-GTCGATCTCTTCAAAGTTGAGGACCTGGGAAGGGGCTTCGATCATCTCACCGGCCGAAGA[C>CGAGGAG]GAGGAGGAGGAGGAGGCGGCAGAGGCTGTAGACATGATCCCTCGCGGCGCCCGGTGGGGC-3'